The following is an entry in ClinVar:

ClinVar aggregate classification (germline): Uncertain significance. Review status: criteria provided, multiple submitters, no conflicts (2 of 4 stars). 2 submissions from 2 submitters: Uncertain significance (2). Last evaluated 2025-08-08.

Conditions:
Progressive microcephaly-seizures-cortical blindness-developmental delay syndrome. Also called: Seizures, cortical blindness, and microcephaly syndrome. Identifiers: Orphanet 477814, MedGen C5567650, MONDO:0014714, OMIM 616632.
Autosomal dominant nonsyndromic hearing loss 1. Also called: KONIGSMARK SYNDROME; DEAFNESS, AUTOSOMAL DOMINANT 1, WITH OR WITHOUT THROMBOCYTOPENIA. Identifiers: Orphanet 90635, MedGen C1852282, MONDO:0007424, OMIM 124900.
Inborn genetic diseases. Identifiers: MedGen C0950123, MeSH D030342.

Allele frequency attached by ClinVar (database versions not stated): gnomAD 0.00002; TOPMed 0.00002.
gnomAD v4.1: 3 of 1,527,442 alleles (0.0002%); highest among the groups gnomAD compares: African/African-American, 0.0041%; no homozygotes.

Submissions (2):

Labcorp Genetics (formerly Invitae), Labcorp
Classification: Uncertain significance for Progressive microcephaly-seizures-cortical blindness-developmental delay syndrome; Autosomal dominant nonsyndromic hearing loss 1. Last evaluated: 2025-08-08. Review status: criteria provided, single submitter. Criteria: Invitae Variant Classification Sherloc (09022015). Collection method: clinical testing. Allele origin: germline.
Comment: This sequence change replaces serine, which is neutral and polar, with phenylalanine, which is neutral and non-polar, at codon 668 of the DIAPH1 protein (p.Ser668Phe). This variant is not present in population databases (gnomAD no frequency). This variant has not been reported in the literature in individuals affected with DIAPH1-related conditions. ClinVar contains an entry for this variant (Variation ID: 2939836). Experimental studies and prediction algorithms are not available or were not evaluated, and the functional significance of this variant is currently unknown. In summary, the available evidence is currently insufficient to determine the role of this variant in disease. Therefore, it has been classified as a Variant of Uncertain Significance.

Ambry Genetics
Classification: Uncertain significance for Inborn genetic diseases. Last evaluated: 2024-04-08. Review status: criteria provided, single submitter. Criteria: Ambry Variant Classification Scheme 2023. Collection method: clinical testing. Allele origin: germline.

NM_005219.5(DIAPH1):c.2003C>T (p.Ser668Phe)

Gene: DIAPH1 (diaphanous related formin 1; minus strand). Cytogenetic location: 5q31.3.
Variant type: single nucleotide variant.
Coding change: c.2003C>T on transcript NM_005219.5 (MANE Select); coding-DNA position 2003, C replaced by T.
Protein change: p.Ser668Phe; replaces serine 668 with phenylalanine.
Molecular consequence: missense variant.
Genome position (GRCh38, 1-based): chr5:141,573,847, G>A on the plus strand (C>T on the coding strand, the complement: DIAPH1 is on the minus strand). VCF-style: chr5-141573847-G-A. GRCh37 (hg19) VCF-style: chr5-140953414-G-A.
Other names: c.1976C>T, p.Ser659Phe (NM_001079812.3); c.2003C>T, p.Ser668Phe (NM_001314007.2); c.2003C>T (NM_005219.4); short protein forms S659F, S668F.
Identifiers: ClinVar variation 2939836 (VCV002939836.4), dbSNP rs2099895557, ClinGen allele CA361519253.
Genomic context (GRCh38, chr5:141,573,847, plus strand): 5'-GGGATTCTAGCACTCCCAGGCAAAGGAGGAGGTGGGGGGATGGCAGTACCTCCAGGCAAA[G>A]AAGAGGGTGAAGGGATGCCAACACCCTCAGGCAAAGGAGGGGGTGGAGGGATGGTAGCAT-3'
Protein context (NP_005210.3, residues 658-678): PEGVGIPSPS[Ser668Phe]LPGGTAIPPP